The following is an entry in ClinVar:

NM_001308093.3(GATA4):c.1145C>T (p.Ser382Phe)

Gene: GATA4 (GATA binding protein 4). Cytogenetic location: 8p23.1.
Variant type: single nucleotide variant.
Coding change: c.1145C>T on transcript NM_001308093.3 (MANE Select); coding-DNA position 1145, C replaced by T.
Protein change: p.Ser382Phe; replaces serine 382 with phenylalanine.
Molecular consequence: missense variant.
Genome position (GRCh38, 1-based): chr8:11,757,079, C>T. VCF-style: chr8-11757079-C-T. GRCh37 (hg19) VCF-style: chr8-11614588-C-T.
Other names: c.524C>T, p.Ser175Phe (NM_001308094.2, NM_001374273.1); c.398C>T, p.Ser133Phe (NM_001374274.1); c.1142C>T, p.Ser381Phe (NM_002052.5); short protein forms S133F, S175F, S381F, S382F.
Identifiers: ClinVar variation 4709984 (VCV004709984.1).

ClinVar aggregate classification (germline): Uncertain significance (1 of 4 stars; one submission).

Conditions:
Atrioventricular septal defect 4 (AVSD4). Identifiers: MedGen C3280781, MONDO:0013747, OMIM 614430.

Submission:

Labcorp Genetics (formerly Invitae), Labcorp
Classification: Uncertain significance for Atrioventricular septal defect 4. Last evaluated: 2025-07-28. Review status: criteria provided, single submitter. Criteria: Invitae Variant Classification Sherloc (09022015). Collection method: clinical testing. Allele origin: germline.
Comment: This sequence change replaces serine, which is neutral and polar, with phenylalanine, which is neutral and non-polar, at codon 381 of the GATA4 protein (p.Ser381Phe). This variant is not present in population databases (gnomAD no frequency). This variant has not been reported in the literature in individuals affected with GATA4-related conditions. Invitae Evidence Modeling of protein sequence and biophysical properties (such as structural, functional, and spatial information, amino acid conservation, physicochemical variation, residue mobility, and thermodynamic stability) has been performed for this missense variant. However, the output from this modeling did not meet the statistical confidence thresholds required to predict the impact of this variant on GATA4 protein function. In summary, the available evidence is currently insufficient to determine the role of this variant in disease. Therefore, it has been classified as a Variant of Uncertain Significance.